The following is an entry in ClinVar:

NM_000051.4(ATM):c.1092_1235+363delinsCTT

Gene: ATM (ATM serine/threonine kinase; plus strand). Cytogenetic location: 11q22.3.
Variant type: Indel.
Coding change: c.1092_1235+363delinsCTT on transcript NM_000051.4 (MANE Select); coding-DNA position 1092 through 363 bases into the intron after coding-DNA position 1235, the reference bases replaced by CTT.
Molecular consequence: splice donor variant.
Genome position (GRCh38, 1-based): chr11:108,248,959-108,249,465, 507 bases replaced. GRCh37 (hg19): chr11:108,119,686-108,120,192.
Other names: c.1092_1235+363delinsCTT (NM_001351834.2).
Identifiers: ClinVar variation 2707810 (VCV002707810.3), dbSNP rs2497207832, ClinGen allele CA2697548979.

ClinVar aggregate classification (germline): Likely pathogenic (1 of 4 stars; one submission).

Conditions:
Ataxia-telangiectasia syndrome (AT). Also called: ATAXIA-TELANGIECTASIA, COMPLEMENTATION GROUP A; ATAXIA-TELANGIECTASIA, FRESNO VARIANT; Ataxia-telangiectasia, complementation group D; LOUIS-BAR SYNDROME; AT, COMPLEMENTATION GROUP C; Ataxia-telangiectasia. Identifiers: Orphanet 100, MedGen C0004135, MONDO:0008840, OMIM 208900.

Submission:

Labcorp Genetics (formerly Invitae), Labcorp
Classification: Likely pathogenic for Ataxia-telangiectasia syndrome. Last evaluated: 2024-01-05. Review status: criteria provided, single submitter. Criteria: Invitae Variant Classification Sherloc (09022015). Collection method: clinical testing. Allele origin: germline.
Comment: This variant results in the deletion of exon 9 (c.1092_1235+363delinsCTT) of the ATM gene. RNA analysis indicates that this variant induces altered splicing and may result in an absent or disrupted protein product. This variant has not been reported in the literature in individuals affected with ATM-related conditions. Studies have shown that this variant results in skipping of exon 9 and introduces a premature termination codon (Invitae). The resulting mRNA is expected to undergo nonsense-mediated decay. In summary, the currently available evidence indicates that the variant is pathogenic, but additional data are needed to prove that conclusively. Therefore, this variant has been classified as Likely Pathogenic.